The following is an entry in ClinVar:

ClinVar aggregate classification (germline): Uncertain significance (1 of 4 stars; one submission).

Allele frequency attached by ClinVar (database versions not stated): gnomAD exomes below 0.00001; gnomAD 0.00001.
gnomAD v4.1: 2 of 1,613,074 alleles (0.00012%); highest among the groups gnomAD compares: Non-Finnish European, 0.00017%; no homozygotes.

Submission:

Labcorp Genetics (formerly Invitae), Labcorp
Classification: Uncertain significance. Last evaluated: 2025-10-04. Review status: criteria provided, single submitter. Criteria: Invitae Variant Classification Sherloc (09022015). Collection method: clinical testing. Allele origin: germline.
Comment: This sequence change replaces leucine, which is neutral and non-polar, with proline, which is neutral and non-polar, at codon 786 of the NBAS protein (p.Leu786Pro). This variant is present in population databases (no rsID available, gnomAD 0.007%). This variant has not been reported in the literature in individuals affected with NBAS-related conditions. ClinVar contains an entry for this variant (Variation ID: 1393671). Invitae Evidence Modeling of protein sequence and biophysical properties (such as structural, functional, and spatial information, amino acid conservation, physicochemical variation, residue mobility, and thermodynamic stability) indicates that this missense variant is not expected to disrupt NBAS protein function with a negative predictive value of 95%. In summary, the available evidence is currently insufficient to determine the role of this variant in disease. Therefore, it has been classified as a Variant of Uncertain Significance.

NM_015909.4(NBAS):c.2357T>C (p.Leu786Pro)

Gene: NBAS (NBAS subunit of NRZ tethering complex; minus strand). Cytogenetic location: 2p24.3.
Variant type: single nucleotide variant.
Coding change: c.2357T>C on transcript NM_015909.4 (MANE Select); coding-DNA position 2357, T replaced by C.
Protein change: p.Leu786Pro; replaces leucine 786 with proline.
Molecular consequence: missense variant. On other transcripts: non-coding transcript variant (1).
Genome position (GRCh38, 1-based): chr2:15,427,777, A>G on the plus strand (T>C on the coding strand, the complement: NBAS is on the minus strand). VCF-style: chr2-15427777-A-G. GRCh37 (hg19) VCF-style: chr2-15567901-A-G.
Other names: short protein forms L786P.
Identifiers: ClinVar variation 1393671 (VCV001393671.4), dbSNP rs1194719473, ClinGen allele CA345891780.